The following is an entry in ClinVar:

ClinVar aggregate classification (germline): Pathogenic (1 of 4 stars; one submission).

Conditions:
Propionic acidemia (PROP). Also called: GLYCINEMIA, KETOTIC; HYPERGLYCINEMIA WITH KETOACIDOSIS AND LEUKOPENIA; KETOTIC HYPERGLYCINEMIA. Identifiers: Orphanet 35, MedGen C0268579, MONDO:0011628, OMIM 606054, HP:0003571.

Submission:

Labcorp Genetics (formerly Invitae), Labcorp
Classification: Pathogenic for Propionyl-CoA carboxylase deficiency. Last evaluated: 2019-01-12. Review status: criteria provided, single submitter. Criteria: Invitae Variant Classification Sherloc (09022015). Collection method: clinical testing. Allele origin: germline.
Comment: This variant is a gross deletion of the genomic region encompassing exons 23-24 of the PCCA gene. The 5' boundary is likely confined to intron 22. The 3' end of this event is unknown as it extends through the termination codon beyond the assayed region for this gene and may encompass additional genes. While this deletion is not anticipated to result in nonsense mediated decay, it is expected to create a truncated protein product or disrupt mRNA translation. Deletion of exons 23-24 has not been reported in the literature in individuals with PCCA-related conditions. Sub-genic deletion of exon 23 has been determined to be pathogenic (PMID: 19157943, 22033733). Therefore, deletions that fully encompass that region are also expected to be pathogenic. For these reasons, this variant has been classified as Pathogenic.

Literature cited by the submitters: PubMed 19157943; PubMed 22033733.

NC_000013.11:g.(?_100527665)_(100530447_?)del

Genes: GGACT (gamma-glutamylamine cyclotransferase; minus strand), PCCA (propionyl-CoA carboxylase subunit alpha; plus strand). Cytogenetic location: 13q32.3.
Variant type: Deletion.
Identifiers: ClinVar variation 657918 (VCV000657918.1).